The following is an entry in ClinVar:

ClinVar aggregate classification (germline): Uncertain significance (1 of 4 stars; one submission).

Conditions:
Cryopyrin associated periodic syndrome (CAPS). Identifiers: Orphanet 208650, MedGen C2316212, MONDO:0016168.

Allele frequency attached by ClinVar (database versions not stated): ExAC 0.00001; gnomAD 0.00001; TOPMed 0.00001.
gnomAD v4.1: 1 of 1,614,090 alleles (0.000062%); highest among the groups gnomAD compares: African/African-American, 0.0013%; no homozygotes.

Submission:

Labcorp Genetics (formerly Invitae), Labcorp
Classification: Uncertain significance for Cryopyrin associated periodic syndrome. Last evaluated: 2023-06-15. Review status: criteria provided, single submitter. Criteria: Invitae Variant Classification Sherloc (09022015). Collection method: clinical testing. Allele origin: germline.
Comment: This variant has not been reported in the literature in individuals affected with NLRP3-related conditions. This sequence change replaces leucine, which is neutral and non-polar, with proline, which is neutral and non-polar, at codon 943 of the NLRP3 protein (p.Leu943Pro). This variant is present in population databases (rs745872797, gnomAD 0.008%). Advanced modeling of protein sequence and biophysical properties (such as structural, functional, and spatial information, amino acid conservation, physicochemical variation, residue mobility, and thermodynamic stability) performed at Invitae indicates that this missense variant is expected to disrupt NLRP3 protein function. In summary, the available evidence is currently insufficient to determine the role of this variant in disease. Therefore, it has been classified as a Variant of Uncertain Significance.

NM_001243133.2(NLRP3):c.2822T>C (p.Leu941Pro)

Gene: NLRP3 (NLR family pyrin domain containing 3; plus strand). Cytogenetic location: 1q44.
Variant type: single nucleotide variant.
Coding change: c.2822T>C on transcript NM_001243133.2 (MANE Select); coding-DNA position 2822, T replaced by C.
Protein change: p.Leu941Pro; replaces leucine 941 with proline.
Molecular consequence: missense variant.
Genome position (GRCh38, 1-based): chr1:247,444,130, T>C. VCF-style: chr1-247444130-T-C. GRCh37 (hg19) VCF-style: chr1-247607432-T-C.
Other names: c.2822T>C, p.Leu941Pro (NM_001079821.3); c.2651T>C, p.Leu884Pro (NM_001127461.3, NM_001127462.3); c.2828T>C, p.Leu943Pro (NM_004895.5); c.2480T>C, p.Leu827Pro (NM_183395.3); short protein forms L827P, L884P, L941P, L943P.
Identifiers: ClinVar variation 2991090 (VCV002991090.3), dbSNP rs745872797, ClinGen allele CA1495357.